The following is an entry in ClinVar:

ClinVar aggregate classification (germline): Uncertain significance. Review status: criteria provided, multiple submitters, no conflicts (2 of 4 stars). 3 submissions from 3 submitters: Uncertain significance (2). 1 of the submissions does not count toward it. Last evaluated 2022-11-10.

Conditions:
ALMS1-related disorder. Also called: ALMS1-related condition.
Cardiovascular phenotype. Identifiers: MedGen CN230736.
Alstrom syndrome (ALMS). Identifiers: Orphanet 64, MedGen C0268425, MONDO:0008763, OMIM 203800.

Allele frequency attached by ClinVar (database versions not stated): TOPMed below 0.00001; gnomAD 0.00001.
gnomAD v4.1: 1 of 1,614,008 alleles (0.000062%); highest among the groups gnomAD compares: Non-Finnish European, 0.000085%; no homozygotes.

Submissions (3):

PreventionGenetics, part of Exact Sciences
Classification: Uncertain significance for ALMS1-related condition. Last evaluated: 2022-11-10. Review status: criteria provided, single submitter. Criteria: ACMG Guidelines, 2015. Collection method: clinical testing. Allele origin: germline.
Comment: The ALMS1 c.12100G>A variant is predicted to result in the amino acid substitution p.Ala4034Thr. To our knowledge, this variant has not been reported in the literature. This variant is reported in 0.0086% of alleles in individuals of European (Non-Finnish) descent in gnomAD. At this time, the clinical significance of this variant is uncertain due to the absence of conclusive functional and genetic evidence.

Ambry Genetics
Classification: Uncertain significance for Cardiovascular phenotype. Last evaluated: 2022-11-04. Review status: criteria provided, single submitter. Criteria: Ambry Variant Classification Scheme 2023. Collection method: clinical testing. Allele origin: germline.
Comment: The p.V4034M variant (also known as c.12100G>A), located in coding exon 19 of the ALMS1 gene, results from a G to A substitution at nucleotide position 12100. The valine at codon 4034 is replaced by methionine, an amino acid with highly similar properties. This amino acid position is highly conserved in available vertebrate species. In addition, the in silico prediction for this alteration is inconclusive. Since supporting evidence is limited at this time, the clinical significance of this alteration remains unclear.

Natera, Inc.
Classification: Uncertain significance for Alstrom syndrome. Last evaluated: 2025-02-13. Review status: no assertion criteria provided. Collection method: clinical testing. Allele origin: germline. Not counted in ClinVar's aggregate classification.

NM_001378454.1(ALMS1):c.12097G>A (p.Val4033Met)

Genes: ALMS1 (ALMS1 centrosome and basal body associated protein; plus strand), LOC126806252 (BRD4-independent group 4 enhancer GRCh37_chr2:73828496-73829695; plus strand). Cytogenetic location: 2p13.1.
Variant type: single nucleotide variant.
Coding change: c.12097G>A on transcript NM_001378454.1 (MANE Select); coding-DNA position 12097, G replaced by A.
Protein change: p.Val4033Met; replaces valine 4033 with methionine.
Molecular consequence: missense variant.
Genome position (GRCh38, 1-based): chr2:73,601,419, G>A. VCF-style: chr2-73601419-G-A. GRCh37 (hg19) VCF-style: chr2-73828546-G-A.
Other names: c.12100G>A, p.Val4034Met (NM_015120.4); short protein forms V4034M, V4033M.
Identifiers: ClinVar variation 2497334 (VCV002497334.4), dbSNP rs1675685275, ClinGen allele CA347267152.